The following is an entry in ClinVar:

ClinVar aggregate classification (germline): Uncertain significance (1 of 4 stars; one submission).

Allele frequency attached by ClinVar (database versions not stated): gnomAD exomes below 0.00001 and 0.00001.

Submission:

Labcorp Genetics (formerly Invitae), Labcorp
Classification: Uncertain significance. Last evaluated: 2025-11-10. Review status: criteria provided, single submitter. Criteria: Invitae Variant Classification Sherloc (09022015). Collection method: clinical testing. Allele origin: germline.
Comment: This sequence change replaces methionine, which is neutral and non-polar, with valine, which is neutral and non-polar, at codon 1506 of the SETBP1 protein (p.Met1506Val). The frequency data for this variant in the population databases is considered unreliable, as metrics indicate poor data quality at this position in the gnomAD database. This variant has not been reported in the literature in individuals affected with SETBP1-related conditions. ClinVar contains an entry for this variant (Variation ID: 1386850). Invitae Evidence Modeling of protein sequence and biophysical properties (such as structural, functional, and spatial information, amino acid conservation, physicochemical variation, residue mobility, and thermodynamic stability) indicates that this missense variant is not expected to disrupt SETBP1 protein function with a negative predictive value of 80%. In summary, the available evidence is currently insufficient to determine the role of this variant in disease. Therefore, it has been classified as a Variant of Uncertain Significance.

NM_015559.3(SETBP1):c.4516A>G (p.Met1506Val)

Gene: SETBP1 (SET binding protein 1; plus strand). Cytogenetic location: 18q12.3.
Variant type: single nucleotide variant.
Coding change: c.4516A>G on transcript NM_015559.3 (MANE Select); coding-DNA position 4516, A replaced by G.
Protein change: p.Met1506Val; replaces methionine 1506 with valine.
Molecular consequence: missense variant.
Genome position (GRCh38, 1-based): chr18:45,063,423, A>G. VCF-style: chr18-45063423-A-G. GRCh37 (hg19) VCF-style: chr18-42643388-A-G.
Other names: c.4516A>G, p.Met1506Val (NM_001379141.1, NM_001379142.1); short protein forms M1506V.
Identifiers: ClinVar variation 1386850 (VCV001386850.8), dbSNP rs1297071856, ClinGen allele CA402483585.